The following is an entry in ClinVar:

ClinVar aggregate classification (germline): Uncertain significance (1 of 4 stars; one submission).

gnomAD v4.1: 3 of 1,611,400 alleles (0.00019%); highest among the groups gnomAD compares: Admixed American, 0.0033%; no homozygotes.

Submission:

GeneDx
Classification: Uncertain significance. Last evaluated: 2025-07-07. Review status: criteria provided, single submitter. Criteria: GeneDx Variant Classification Process June 2021. Collection method: clinical testing. Allele origin: germline. Affected: yes.
Comment: Not observed at significant frequency in large population cohorts (gnomAD); In silico analysis supports that this missense variant has a deleterious effect on protein structure/function; Has not been previously published as pathogenic or benign to our knowledge

NM_001080414.4(CCDC88C):c.3332T>C (p.Leu1111Pro)

Gene: CCDC88C (coiled-coil and HOOK domain protein 88C; minus strand). Cytogenetic location: 14q32.11.
Variant type: single nucleotide variant.
Coding change: c.3332T>C on transcript NM_001080414.4 (MANE Select); coding-DNA position 3332, T replaced by C.
Protein change: p.Leu1111Pro; replaces leucine 1111 with proline.
Molecular consequence: missense variant. On other transcripts: non-coding transcript variant (2).
Genome position (GRCh38, 1-based): chr14:91,305,790, A>G on the plus strand (T>C on the coding strand, the complement: CCDC88C is on the minus strand). VCF-style: chr14-91305790-A-G. GRCh37 (hg19) VCF-style: chr14-91772134-A-G.
Other names: short protein forms L1111P.
Identifiers: ClinVar variation 4685356 (VCV004685356.1).